The following continues an entry in ClinVar:

NM_004333.6(BRAF):c.1799T>A (p.Val600Glu)

Gene: BRAF. ClinVar aggregate classification (germline): Conflicting classifications of pathogenicity. Pathogenic (4); Likely pathogenic (1); Uncertain significance (1). ClinVar aggregate classification (somatic clinical impact): Tier I - Strong. ClinVar aggregate classification (oncogenicity): Oncogenic.

Literature cited by the submitters, continued: PubMed 32371339 (cited by Institute for Genomic Medicine (IGM) Clinical Laboratory, Nationwide Children's Hospital); PubMed 22142829 (cited by Institute for Genomic Medicine (IGM) Clinical Laboratory, Nationwide Children's Hospital); PubMed 32476297 (cited by Institute for Genomic Medicine (IGM) Clinical Laboratory, Nationwide Children's Hospital); PubMed 34185076 (cited by Institute for Genomic Medicine (IGM) Clinical Laboratory, Nationwide Children's Hospital); PubMed 20156809 (cited by Institute for Genomic Medicine (IGM) Clinical Laboratory, Nationwide Children's Hospital); PubMed 29880043 (cited by Institute for Genomic Medicine (IGM) Clinical Laboratory, Nationwide Children's Hospital); PubMed 24238153 (cited by Institute for Genomic Medicine (IGM) Clinical Laboratory, Nationwide Children's Hospital); PubMed 26121087 (cited by Institute for Genomic Medicine (IGM) Clinical Laboratory, Nationwide Children's Hospital); PubMed 34331515 (cited by Institute for Genomic Medicine (IGM) Clinical Laboratory, Nationwide Children's Hospital); PubMed 33056981 (cited by Institute for Genomic Medicine (IGM) Clinical Laboratory, Nationwide Children's Hospital); PubMed 25417114 (cited by Institute for Genomic Medicine (IGM) Clinical Laboratory, Nationwide Children's Hospital); PubMed 12970315 (cited by Institute for Genomic Medicine (IGM) Clinical Laboratory, Nationwide Children's Hospital); PubMed 14508525 (cited by Institute for Genomic Medicine (IGM) Clinical Laboratory, Nationwide Children's Hospital); PubMed 21878896 (cited by Institute for Genomic Medicine (IGM) Clinical Laboratory, Nationwide Children's Hospital); PubMed 28990704 (cited by Institute for Genomic Medicine (IGM) Clinical Laboratory, Nationwide Children's Hospital); PubMed 29105198 (cited by Institute for Genomic Medicine (IGM) Clinical Laboratory, Nationwide Children's Hospital); PubMed 29532523 (cited by Institute for Genomic Medicine (IGM) Clinical Laboratory, Nationwide Children's Hospital); PubMed 24127995 (cited by Institute for Genomic Medicine (IGM) Clinical Laboratory, Nationwide Children's Hospital); PubMed 23817572 (cited by Institute for Genomic Medicine (IGM) Clinical Laboratory, Nationwide Children's Hospital); PubMed 34718782 (cited by Institute for Genomic Medicine (IGM) Clinical Laboratory, Nationwide Children's Hospital); PubMed 24436047 (cited by Institute for Genomic Medicine (IGM) Clinical Laboratory, Nationwide Children's Hospital); PubMed 27812792 (cited by Institute for Genomic Medicine (IGM) Clinical Laboratory, Nationwide Children's Hospital); PubMed 29701169 (cited by Institute for Genomic Medicine (IGM) Clinical Laboratory, Nationwide Children's Hospital); PubMed 30926558 (cited by Institute for Genomic Medicine (IGM) Clinical Laboratory, Nationwide Children's Hospital); PubMed 31520766 (cited by Institute for Genomic Medicine (IGM) Clinical Laboratory, Nationwide Children's Hospital); PubMed 26994902 (cited by Institute for Genomic Medicine (IGM) Clinical Laboratory, Nationwide Children's Hospital); PubMed 32605662 (cited by Institute for Genomic Medicine (IGM) Clinical Laboratory, Nationwide Children's Hospital); PubMed 36382112 (cited by Institute for Genomic Medicine (IGM) Clinical Laboratory, Nationwide Children's Hospital); PubMed 24112392 (cited by CIViC Knowledgebase, Washington University School of Medicine); PubMed 21641636 (cited by CIViC Knowledgebase, Washington University School of Medicine); PubMed 21502544 (cited by CIViC Knowledgebase, Washington University School of Medicine); PubMed 20008640 (cited by CIViC Knowledgebase, Washington University School of Medicine); PubMed 24594804 (cited by CIViC Knowledgebase, Washington University School of Medicine); PubMed 27404270 (cited by CIViC Knowledgebase, Washington University School of Medicine); PubMed 25265492 (cited by CIViC Knowledgebase, Washington University School of Medicine); PubMed 23020132 (cited by CIViC Knowledgebase, Washington University School of Medicine); PubMed 28891408 (cited by CIViC Knowledgebase, Washington University School of Medicine); PubMed 25399551 (cited by CIViC Knowledgebase, Washington University School of Medicine); PubMed 29615459 (cited by National Institute of Cancer Research, National Health Research Institutes); PubMed 29742974 (cited by National Institute of Cancer Research, National Health Research Institutes); PubMed 33029242 (cited by National Institute of Cancer Research, National Health Research Institutes); PubMed 37059834 (cited by National Institute of Cancer Research, National Health Research Institutes); PubMed 25950823 (cited by Yale Center for Mendelian Genomics, Yale University); PubMed 12960123 (cited by OMIM); PubMed 12447372 (cited by OMIM); PubMed 12619120 (cited by OMIM); PubMed 12794760 (cited by OMIM); PubMed 14513361 (cited by OMIM); PubMed 12198537 (cited by OMIM); PubMed 12644542 (cited by OMIM); PubMed 20818844 (cited by OMIM); PubMed 20823850 (cited by OMIM); PubMed 21107320 (cited by OMIM); PubMed 21107323 (cited by OMIM); PubMed 22113612 (cited by OMIM); PubMed 23302800 (cited by OMIM); PubMed 23685455 (cited by OMIM); PubMed 24670642 (cited by OMIM); PubMed 25079330 (cited by OMIM); PubMed 15342696 (cited by OMIM); PubMed 16015629 (cited by OMIM); PubMed 19571295 (cited by OMIM); PubMed 22281684 (cited by OMIM); PubMed 24512911 (cited by OMIM); PubMed 12670889 (cited by OMIM); PubMed 15001635 (cited by OMIM); PubMed 14602780 (cited by OMIM); PubMed 15356022 (cited by OMIM); PubMed 15126572 (cited by OMIM); PubMed 15181070 (cited by OMIM); PubMed 16174717 (cited by OMIM); PubMed 15687339 (cited by OMIM); PubMed 15998781 (cited by OMIM); PubMed 16187918 (cited by OMIM); PubMed 17374713 (cited by OMIM); PubMed 16772349 (cited by OMIM); PubMed 17488796 (cited by OMIM); PubMed 17785355 (cited by OMIM); PubMed 15386408 (cited by OMIM); PubMed 18398503 (cited by OMIM); PubMed 28854169 (cited by OMIM); PubMed 24717435 (cited by OMIM); PubMed 29925953 (cited by OMIM); PubMed 31891627 (cited by Arin Greene Laboratory, Boston Children's Hospital, Harvard Medical School); NCBI Bookshelf NBK1186 (cited by GeneReviews); PubMed 22039425 (cited by Sylvester Comprehensive Cancer Center, University of Miami); PubMed 34476331 (cited by Sylvester Comprehensive Cancer Center, University of Miami).